The following is an entry in ClinVar:

ClinVar aggregate classification (germline): Benign (0 of 4 stars; one submission).

Conditions:
RPS9-related disorder. Also called: RPS9-related condition.

Allele frequency attached by ClinVar (database versions not stated): ESP Exome Variant Server 0.03391; 1000 Genomes Project 30x 0.06933; 1000 Genomes Project 0.07348.
gnomAD v4.1: 74,443 of 1,613,614 alleles (4.6%); highest among the groups gnomAD compares: South Asian, 26%; 4,463 homozygotes.

Submission:

PreventionGenetics, part of Exact Sciences
Classification: Benign for RPS9-related condition. Last evaluated: 2019-11-12. Review status: no assertion criteria provided. Collection method: clinical testing. Allele origin: germline.
Comment: This variant is classified as benign based on ACMG/AMP sequence variant interpretation guidelines (Richards et al. 2015 PMID: 25741868, with internal and published modifications).

NM_001013.4(RPS9):c.471C>T (p.Ile157=)

Gene: RPS9 (ribosomal protein S9; plus strand). Cytogenetic location: 19q13.42.
Variant type: single nucleotide variant.
Coding change: c.471C>T on transcript NM_001013.4 (MANE Select); coding-DNA position 471, C replaced by T.
Protein change: p.Ile157=; no amino-acid change (isoleucine 157 retained).
Molecular consequence: synonymous variant. On other transcripts: 3 prime UTR variant (1), non-coding transcript variant (2).
Genome position (GRCh38, 1-based): chr19:54,207,461, C>T. VCF-style: chr19-54207461-C-T. GRCh37 (hg19) VCF-style: chr19-54711329-C-T.
Other names: c.471C>T, p.Ile157= (NM_001321701.2, NM_001321702.2, NM_001321704.2); c.348C>T, p.Ile116= (NM_001321705.2); c.*44C>T (NM_001321706.2).
Identifiers: ClinVar variation 3056073 (VCV003056073.2), dbSNP rs4838, ClinGen allele CA309390117.